The following is an entry in ClinVar:

ClinVar aggregate classification (germline): Uncertain significance (1 of 4 stars; one submission).

Allele frequency attached by ClinVar (database versions not stated): gnomAD 0.00005; ESP Exome Variant Server 0.00008.
gnomAD v4.1: 20 of 1,613,904 alleles (0.0012%); highest among the groups gnomAD compares: Non-Finnish European, 0.0015%; no homozygotes.

Submission:

Labcorp Genetics (formerly Invitae), Labcorp
Classification: Uncertain significance. Last evaluated: 2023-06-24. Review status: criteria provided, single submitter. Criteria: Invitae Variant Classification Sherloc (09022015). Collection method: clinical testing. Allele origin: germline.
Comment: In summary, the available evidence is currently insufficient to determine the role of this variant in disease. Therefore, it has been classified as a Variant of Uncertain Significance. Advanced modeling of protein sequence and biophysical properties (such as structural, functional, and spatial information, amino acid conservation, physicochemical variation, residue mobility, and thermodynamic stability) performed at Invitae indicates that this missense variant is not expected to disrupt DDX58 protein function. ClinVar contains an entry for this variant (Variation ID: 1496179). This variant has not been reported in the literature in individuals affected with DDX58-related conditions. This variant is present in population databases (rs375232568, gnomAD 0.009%). This sequence change replaces glutamic acid, which is acidic and polar, with aspartic acid, which is acidic and polar, at codon 339 of the DDX58 protein (p.Glu339Asp).

NM_014314.4(RIGI):c.1017G>C (p.Glu339Asp)

Gene: RIGI (RNA sensor RIG-I; minus strand). Cytogenetic location: 9p21.1.
Variant type: single nucleotide variant.
Coding change: c.1017G>C on transcript NM_014314.4 (MANE Select); coding-DNA position 1017, G replaced by C.
Protein change: p.Glu339Asp; replaces glutamic acid 339 with aspartic acid.
Molecular consequence: missense variant.
Genome position (GRCh38, 1-based): chr9:32,488,140, C>G on the plus strand (G>C on the coding strand, the complement: RIGI is on the minus strand). VCF-style: chr9-32488140-C-G. GRCh37 (hg19) VCF-style: chr9-32488138-C-G.
Other names: c.1011G>C, p.Glu337Asp (NM_001385907.1); c.1017G>C, p.Glu339Asp (NM_001385909.1); c.576G>C, p.Glu192Asp (NM_001385910.1); c.408G>C, p.Glu136Asp (NM_001385912.1); c.1002G>C, p.Glu334Asp (NM_001385913.1); c.573G>C, p.Glu191Asp (NM_001385914.1); short protein forms E136D, E339D, E334D, E191D, E192D, E337D.
Identifiers: ClinVar variation 1496179 (VCV001496179.6), dbSNP rs375232568, ClinGen allele CA5019928.